The following is an entry in ClinVar:

NM_024757.5(EHMT1):c.1306C>A (p.Pro436Thr)

Gene: EHMT1 (euchromatic histone lysine methyltransferase 1; plus strand). Cytogenetic location: 9q34.3.
Variant type: single nucleotide variant.
Coding change: c.1306C>A on transcript NM_024757.5 (MANE Select); coding-DNA position 1306, C replaced by A.
Protein change: p.Pro436Thr; replaces proline 436 with threonine.
Molecular consequence: missense variant.
Genome position (GRCh38, 1-based): chr9:137,754,228, C>A. VCF-style: chr9-137754228-C-A. GRCh37 (hg19) VCF-style: chr9-140648680-C-A.
Other names: c.1306C>A, p.Pro436Thr (NM_001145527.2, NM_001354611.2); c.1213C>A, p.Pro405Thr (NM_001354259.2, NM_001354612.2); c.1285C>A, p.Pro429Thr (NM_001354263.2); short protein forms P405T, P429T, P436T.
Identifiers: ClinVar variation 1806664 (VCV001806664.3), dbSNP rs2541826624, ClinGen allele CA375763279.

ClinVar aggregate classification (germline): Uncertain significance. Review status: criteria provided, multiple submitters, no conflicts (2 of 4 stars). 2 submissions from 2 submitters: Uncertain significance (2). Last evaluated 2026-06-24.

Conditions:
Inborn genetic diseases. Identifiers: MedGen C0950123, MeSH D030342.

Submissions (2):

Ambry Genetics
Classification: Uncertain significance for Inborn genetic diseases. Last evaluated: 2026-06-24. Review status: criteria provided, single submitter. Criteria: Ambry Variant Classification Scheme 2023. Collection method: clinical testing. Allele origin: germline.

GeneDx
Classification: Uncertain significance. Last evaluated: 2023-06-11. Review status: criteria provided, single submitter. Criteria: GeneDx Variant Classification Process June 2021. Collection method: clinical testing. Allele origin: germline. Affected: yes.
Comment: Not observed at significant frequency in large population cohorts (gnomAD); In silico analysis supports that this missense variant has a deleterious effect on protein structure/function; Has not been previously published as pathogenic or benign to our knowledge